The following is an entry in ClinVar:

ClinVar aggregate classification (germline): Uncertain significance (1 of 4 stars; one submission).

Conditions:
TTN-related disorder. Also called: TTN-related disorders; TTN-related condition; TTN-related disease.

gnomAD v4.1: 33 of 1,613,592 alleles (0.002%); highest among the groups gnomAD compares: Non-Finnish European, 0.0027%; no homozygotes.

Submission:

PreventionGenetics, part of Exact Sciences
Classification: Uncertain significance for TTN-related condition. Last evaluated: 2025-07-08. Review status: criteria provided, single submitter. Criteria: ACMG Guidelines, 2015. Collection method: clinical testing. Allele origin: germline.
Comment: The TTN c.94930G>A variant is predicted to result in the amino acid substitution p.Glu31644Lys. To our knowledge, this variant has not been reported in the literature. This variant is reported in 0.0039% of alleles in individuals of European (Non-Finnish) descent in gnomAD. At this time, the clinical significance of this variant is uncertain due to the absence of conclusive functional and genetic evidence.

NM_001267550.2(TTN):c.94930G>A (p.Glu31644Lys)

Genes: TTN (titin; minus strand), TTN-AS1 (TTN antisense RNA 1; plus strand). Cytogenetic location: 2q31.2.
Variant type: single nucleotide variant.
Coding change: c.94930G>A on transcript NM_001267550.2 (MANE Select); coding-DNA position 94930, G replaced by A.
Protein change: p.Glu31644Lys; replaces glutamic acid 31644 with lysine.
Molecular consequence: missense variant.
Genome position (GRCh38, 1-based): chr2:178,546,401, C>T on the plus strand (G>A on the coding strand, the complement: TTN is on the minus strand). VCF-style: chr2-178546401-C-T. GRCh37 (hg19) VCF-style: chr2-179411128-C-T.
Other names: c.90007G>A, p.Glu30003Lys (NM_001256850.1); c.67735G>A, p.Glu22579Lys (NM_003319.4); c.87226G>A, p.Glu29076Lys (NM_133378.4); c.68110G>A, p.Glu22704Lys (NM_133432.3); c.68311G>A, p.Glu22771Lys (NM_133437.4); short protein forms E22704K, E22771K, E30003K, E22579K, E29076K, E31644K.
Identifiers: ClinVar variation 4989801 (VCV004989801.1).
Genomic context (GRCh38, chr2:178,546,401, plus strand): 5'-AAGAGACTTTTTCACAGAGATCTAGCTCCTTGTCTCCTTTGGTCCAGATAATTTTGGGTT[C>T]AGGTTTGCCACCAACTGCAGCATCCAGAACAAGATCAGAACCTGCTCTGATGGTAACCAG-3'
Protein context (NP_001254479.2, residues 31634-31654): VLDAAVGGKP[Glu31644Lys]PKIIWTKGDK